The following is an entry in ClinVar:

ClinVar aggregate classification (germline): Conflicting classifications of pathogenicity. Review status: criteria provided, conflicting classifications (1 of 4 stars). 2 submissions from 2 submitters: Uncertain significance (1); Benign (1). Last evaluated 2025-09-21.

Conditions:
Familial cold autoinflammatory syndrome 2 (FCAS2). Identifiers: Orphanet 247868, MedGen C2673198, MONDO:0012724, OMIM 611762.

Allele frequency attached by ClinVar (database versions not stated): TOPMed below 0.00001; gnomAD 0.00001; gnomAD exomes 0.00002 and 0.00005; ExAC 0.00005.
gnomAD v4.1: 29 of 1,613,940 alleles (0.0018%); highest among the groups gnomAD compares: East Asian, 0.045%; no homozygotes.

Submissions (2):

Labcorp Genetics (formerly Invitae), Labcorp
Classification: Uncertain significance for Familial cold autoinflammatory syndrome 2. Last evaluated: 2025-09-21. Review status: criteria provided, single submitter. Criteria: Invitae Variant Classification Sherloc (09022015). Collection method: clinical testing. Allele origin: germline.
Comment: This sequence change replaces arginine, which is basic and polar, with glycine, which is neutral and non-polar, at codon 7 of the NLRP12 protein (p.Arg7Gly). This variant is present in population databases (rs773831845, gnomAD 0.07%), and has an allele count higher than expected for a pathogenic variant. This missense change has been observed in individual(s) with NLRP12-related conditions (PMID: 38123482). ClinVar contains an entry for this variant (Variation ID: 893382). An algorithm developed to predict the effect of missense changes on protein structure and function outputs the following: PolyPhen-2: "Benign". The glycine amino acid residue is found in multiple mammalian species, which suggests that this missense change does not adversely affect protein function. In summary, the available evidence is currently insufficient to determine the role of this variant in disease. Therefore, it has been classified as a Variant of Uncertain Significance.

Illumina Laboratory Services, Illumina
Classification: Benign for Familial cold autoinflammatory syndrome 2. Last evaluated: 2018-01-12. Review status: criteria provided, single submitter. Criteria: ICSL Variant Classification Criteria 13 December 2019. Collection method: clinical testing. Allele origin: germline.
Comment: This variant was observed in the ICSL laboratory as part of a predisposition screen in an ostensibly healthy population. It had not been previously curated by ICSL or reported in the Human Gene Mutation Database (HGMD: prior to June 1st, 2018), and was therefore a candidate for classification through an automated scoring system. Utilizing variant allele frequency, disease prevalence and penetrance estimates, and inheritance mode, an automated score was calculated to assess if this variant is too frequent to cause the disease. Based on the score and internal cut-off values, a variant classified as benign is not then subjected to further curation. The score for this variant resulted in a classification of benign for this disease.

Literature cited by the submitters: PubMed 38123482 (cited by Labcorp Genetics (formerly Invitae), Labcorp).

NM_144687.4(NLRP12):c.19A>G (p.Arg7Gly)

Gene: NLRP12 (NLR family pyrin domain containing 12; minus strand). Cytogenetic location: 19q13.42.
Variant type: single nucleotide variant.
Coding change: c.19A>G on transcript NM_144687.4 (MANE Select); coding-DNA position 19, A replaced by G.
Protein change: p.Arg7Gly; replaces arginine 7 with glycine.
Molecular consequence: missense variant.
Genome position (GRCh38, 1-based): chr19:53,824,156, T>C on the plus strand (A>G on the coding strand, the complement: NLRP12 is on the minus strand). VCF-style: chr19-53824156-T-C. GRCh37 (hg19) VCF-style: chr19-54327410-T-C.
Other names: c.19A>G, p.Arg7Gly (NM_001277126.2, NM_001277129.1); short protein forms R7G.
Identifiers: ClinVar variation 893382 (VCV000893382.11), dbSNP rs773831845, ClinGen allele CA9639860.
Genomic context (GRCh38, chr19:53,824,156, plus strand): 5'-TCTTCAGTTCCACAGCCTCGAGTTCTTCCAAGTAGGTGGACAGGCGACAGAGGCCGTCCC[T>C]GCCTGCGGTTCGTAGCATGGGGGTGCCGTGAGCCCCAAAGGAGAGGACCTGGAGGCTGAG-3'
Protein context (NP_653288.1, residues 1-17): MLRTAG[Arg7Gly]DGLCRLSTYL